The following is an entry in ClinVar:

ClinVar aggregate classification (germline): Uncertain significance. Review status: criteria provided, multiple submitters, no conflicts (2 of 4 stars). 2 submissions from 2 submitters: Uncertain significance (2). Last evaluated 2025-11-11.

Conditions:
Inborn genetic diseases. Identifiers: MedGen C0950123, MeSH D030342.

Allele frequency attached by ClinVar (database versions not stated): gnomAD exomes below 0.00001; ExAC 0.00001.
gnomAD v4.1: 4 of 1,614,066 alleles (0.00025%); highest among the groups gnomAD compares: Non-Finnish European, 0.00034%; no homozygotes.

Submissions (2):

Ambry Genetics
Classification: Uncertain significance for Inborn genetic diseases. Last evaluated: 2025-11-11. Review status: criteria provided, single submitter. Criteria: Ambry Variant Classification Scheme 2023. Collection method: clinical testing. Allele origin: germline.

Labcorp Genetics (formerly Invitae), Labcorp
Classification: Uncertain significance. Last evaluated: 2022-08-09. Review status: criteria provided, single submitter. Criteria: Invitae Variant Classification Sherloc (09022015). Collection method: clinical testing. Allele origin: germline.
Comment: In summary, the available evidence is currently insufficient to determine the role of this variant in disease. Therefore, it has been classified as a Variant of Uncertain Significance. Algorithms developed to predict the effect of missense changes on protein structure and function (SIFT, PolyPhen-2, Align-GVGD) all suggest that this variant is likely to be tolerated. ClinVar contains an entry for this variant (Variation ID: 957320). This variant has not been reported in the literature in individuals affected with PEX11B-related conditions. This variant is present in population databases (rs782593339, gnomAD 0.0009%). This sequence change replaces valine, which is neutral and non-polar, with isoleucine, which is neutral and non-polar, at codon 102 of the PEX11B protein (p.Val102Ile).

NM_003846.3(PEX11B):c.304G>A (p.Val102Ile)

Gene: PEX11B (peroxisomal biogenesis factor 11 beta; minus strand). Cytogenetic location: 1q21.1.
Variant type: single nucleotide variant.
Coding change: c.304G>A on transcript NM_003846.3 (MANE Select); coding-DNA position 304, G replaced by A.
Protein change: p.Val102Ile; replaces valine 102 with isoleucine.
Molecular consequence: missense variant. On other transcripts: non-coding transcript variant (3).
Genome position (GRCh38, 1-based): chr1:145,916,887, C>T on the plus strand (G>A on the coding strand, the complement: PEX11B is on the minus strand). VCF-style: chr1-145916887-C-T. GRCh37 (hg19) VCF-style: chr1-145518202-G-A.
Other names: c.262G>A, p.Val88Ile (NM_001184795.1); short protein forms V102I, V88I.
Identifiers: ClinVar variation 957320 (VCV000957320.10), dbSNP rs782593339, ClinGen allele CA1055568.